The following is an entry in ClinVar:

ClinVar aggregate classification (germline): Uncertain significance (1 of 4 stars; one submission).

Conditions:
RASopathy. Also called: Noonan spectrum disorder; rasopathies. Identifiers: Orphanet 536391, MedGen C5555857, MONDO:0021060.

Allele frequency attached by ClinVar (database versions not stated): ExAC 0.00001; gnomAD exomes 0.00001.
gnomAD v4.1: 11 of 1,600,106 alleles (0.00069%); highest among the groups gnomAD compares: Non-Finnish European, 0.00094%; no homozygotes.

Submission:

Labcorp Genetics (formerly Invitae), Labcorp
Classification: Uncertain significance for RASopathy. Last evaluated: 2023-09-28. Review status: criteria provided, single submitter. Criteria: Invitae Variant Classification Sherloc (09022015). Collection method: clinical testing. Allele origin: germline.
Comment: This sequence change replaces isoleucine, which is neutral and non-polar, with leucine, which is neutral and non-polar, at codon 216 of the SOS1 protein (p.Ile216Leu). In summary, the available evidence is currently insufficient to determine the role of this variant in disease. Therefore, it has been classified as a Variant of Uncertain Significance. Advanced modeling of protein sequence and biophysical properties (such as structural, functional, and spatial information, amino acid conservation, physicochemical variation, residue mobility, and thermodynamic stability) performed at Invitae indicates that this missense variant is not expected to disrupt SOS1 protein function. This variant has not been reported in the literature in individuals affected with SOS1-related conditions. This variant is not present in population databases (gnomAD no frequency).

NM_005633.4(SOS1):c.646A>T (p.Ile216Leu)

Gene: SOS1 (SOS Ras/Rac guanine nucleotide exchange factor 1; minus strand). Cytogenetic location: 2p22.1.
Variant type: single nucleotide variant.
Coding change: c.646A>T on transcript NM_005633.4 (MANE Select); coding-DNA position 646, A replaced by T.
Protein change: p.Ile216Leu; replaces isoleucine 216 with leucine.
Molecular consequence: missense variant.
Genome position (GRCh38, 1-based): chr2:39,054,688, T>A on the plus strand (A>T on the coding strand, the complement: SOS1 is on the minus strand). VCF-style: chr2-39054688-T-A. GRCh37 (hg19) VCF-style: chr2-39281829-T-A.
Other names: c.625A>T, p.Ile209Leu (NM_001382394.1); c.646A>T, p.Ile216Leu (NM_001382395.1); short protein forms I209L, I216L.
Identifiers: ClinVar variation 2764016 (VCV002764016.3), dbSNP rs752994841, ClinGen allele CA1624752.